The following is an entry in ClinVar:

NM_000543.5(SMPD1):c.572del (p.Pro191fs)

Gene: SMPD1 (sphingomyelin phosphodiesterase 1; plus strand). Cytogenetic location: 11p15.4.
Variant type: Deletion.
Coding change: c.572del on transcript NM_000543.5 (MANE Select); coding-DNA position 572, one base deleted (C; older notation c.572delC).
Protein change: p.Pro191fs; shifts the reading frame from proline 191.
Molecular consequence: frameshift variant. On other transcripts: 5 prime UTR variant (1), non-coding transcript variant (1).
Genome position (GRCh38, 1-based): chr11:6,391,637, C deleted; the last of 5 consecutive C bases (chr11:6,391,633-6,391,637); deleting any one gives the same sequence. VCF-style (leftmost placement, unchanged base first): chr11-6391632-AC-A. GRCh37 (hg19) VCF-style: chr11-6412862-AC-A.
Other names: c.572del, p.Pro191fs (NM_001318087.2, NM_001365135.2); c.-390del (NM_001318088.2); c.569del, p.Pro190fs (NM_001007593.3); c.572del (NM_000543.4); short protein forms P190fs, P191fs.
Identifiers: ClinVar variation 1453617 (VCV001453617.7), dbSNP rs1590738506, ClinGen allele CA2573147172.

ClinVar aggregate classification (germline): Pathogenic/Likely pathogenic. Review status: criteria provided, multiple submitters, no conflicts (2 of 4 stars). 2 submissions from 2 submitters: Pathogenic (1); Likely pathogenic (1). Last evaluated 2024-05-14.

Conditions:
Niemann-Pick disease, type A. Also called: SPHINGOMYELIN LIPIDOSIS; SPHINGOMYELINASE DEFICIENCY; Infantile Neurovisceral ASMD (Niemann-Pick Disease Type A; NPD-A). Identifiers: Orphanet 77292, MedGen C0268242, MONDO:0009756, OMIM 257200. Disease mechanism: loss of function.
Niemann-Pick disease, type B. Also called: Chronic Visceral ASMD (Niemann-Pick Disease Type B; NPD-B). Identifiers: Orphanet 77293, MedGen C0268243, MONDO:0011871, OMIM 607616. Disease mechanism: loss of function.

Submissions (2):

Natera, Inc.
Classification: Likely pathogenic for Niemann-Pick Disease, Types A/B. Last evaluated: 2024-05-14. Review status: criteria provided, single submitter. Criteria: Natera Variant Classification Schema (03/2026). Collection method: clinical testing. Allele origin: germline.
Comment: The c.572del variant in SMPD1 is a frameshift variant predicted to shift the reading frame beginning at codon 191 and leads to a stop codon 66 codons downstream. This variant is expected to result in nonsense mediated decay, truncation, or a dysfunctional protein product. This variant is rare in the general population with a frequency below the threshold expected for the associated phenotype(s). Given the available evidence, this variant is classified as Likely Pathogenic.

Labcorp Genetics (formerly Invitae), Labcorp
Classification: Pathogenic for Niemann-Pick disease, type B; Niemann-Pick disease, type A. Last evaluated: 2021-08-02. Review status: criteria provided, single submitter. Criteria: Invitae Variant Classification Sherloc (09022015). Collection method: clinical testing. Allele origin: germline.
Comment: This variant has not been reported in the literature in individuals affected with SMPD1-related conditions. This variant is not present in population databases (ExAC no frequency). This sequence change creates a premature translational stop signal (p.Pro191Leufs*66) in the SMPD1 gene. It is expected to result in an absent or disrupted protein product. Loss-of-function variants in SMPD1 are known to be pathogenic (PMID: 12369017, 15221801). For these reasons, this variant has been classified as Pathogenic.

Literature cited by the submitters: PubMed 12369017 (cited by Labcorp Genetics (formerly Invitae), Labcorp); PubMed 15221801 (cited by Labcorp Genetics (formerly Invitae), Labcorp).